The following is an entry in ClinVar:

ClinVar aggregate classification (germline): Uncertain significance (1 of 4 stars; one submission).

Conditions:
Inborn genetic diseases. Identifiers: MedGen C0950123, MeSH D030342.

Submission:

Ambry Genetics
Classification: Uncertain significance for Inborn genetic diseases. Last evaluated: 2026-08-01. Review status: criteria provided, single submitter. Criteria: Ambry Variant Classification Scheme 2023. Collection method: clinical testing. Allele origin: germline.
Comment: The p.R559G variant (also known as c.1675A>G), located in coding exon 10 of the RECQL4 gene, results from an A to G substitution at nucleotide position 1675. The arginine at codon 559 is replaced by glycine, an amino acid with dissimilar properties. This amino acid position is conserved. In addition, this alteration is predicted to be tolerated by in silico analysis. Based on the available evidence, the clinical significance of this variant remains unclear.

NM_004260.4(RECQL4):c.1675A>G (p.Arg559Gly)

Gene: RECQL4 (RecQ like helicase 4; minus strand). Cytogenetic location: 8q24.3.
Variant type: single nucleotide variant.
Coding change: c.1675A>G on transcript NM_004260.4 (MANE Select); coding-DNA position 1675, A replaced by G.
Protein change: p.Arg559Gly; replaces arginine 559 with glycine.
Molecular consequence: missense variant. On other transcripts: non-coding transcript variant (3).
Genome position (GRCh38, 1-based): chr8:144,514,471, T>C on the plus strand (A>G on the coding strand, the complement: RECQL4 is on the minus strand). VCF-style: chr8-144514471-T-C. GRCh37 (hg19) VCF-style: chr8-145739855-T-C.
Other names: c.1579A>G, p.Arg527Gly (NM_001413017.1, NM_001413020.1); c.1675A>G, p.Arg559Gly (NM_001413018.1, NM_001413019.1, NM_001413033.1 and 1 more transcripts); c.604A>G, p.Arg202Gly (NM_001413021.1, NM_001413022.1, NM_001413023.1 and 7 more transcripts); c.1546A>G, p.Arg516Gly (NM_001413025.1); c.538A>G, p.Arg180Gly (NM_001413027.1, NM_001413041.1, NM_001413030.1 and 2 more transcripts); c.1645A>G, p.Arg549Gly (NM_001413039.1); c.574A>G, p.Arg192Gly (NM_001413042.1); c.208A>G, p.Arg70Gly (NM_001413043.1); and 1 more; short protein forms R192G, R202G, R442G, R549G, R559G, R180G, R70G, R516G.
Identifiers: ClinVar variation 5028094 (VCV005028094.1).